The following is an entry in ClinVar:

ClinVar aggregate classification (germline): Likely pathogenic (1 of 4 stars; one submission).

Conditions:
Polyglandular autoimmune syndrome, type 1 (APS1). Also called: PGA I; Autoimmune polyendocrinopathy syndrome , type I, with or without reversible metaphyseal dysplasia; AUTOIMMUNE POLYENDOCRINE SYNDROME, TYPE I, WITH OR WITHOUT REVERSIBLE METAPHYSEAL DYSPLASIA; APS I; Whitaker syndrome; HYPOADRENOCORTICISM WITH HYPOPARATHYROIDISM AND SUPERFICIAL MONILIASIS. Identifiers: Orphanet 3453, MedGen C0085859, MONDO:0009411, OMIM 240300.

Submission:

Natera, Inc.
Classification: Likely pathogenic for Polyglandular autoimmune syndrome type 1. Last evaluated: 2025-09-24. Review status: criteria provided, single submitter. Criteria: Natera Variant Classification Schema (03/2026). Collection method: clinical testing. Allele origin: germline.
Comment: The c.307+2T>C variant in AIRE is a canonical splice donor site variant predicted to affect pre-mRNA splicing, which may result in an abnormal transcript and altered protein product. This variant is expected to result in nonsense mediated decay, truncation, or a dysfunctional protein product. This variant is rare in the general population with a frequency below the threshold expected for the associated phenotype(s). Given the available evidence, this variant is classified as Likely Pathogenic.

NM_000383.4(AIRE):c.307+2T>C

Gene: AIRE (autoimmune regulator; plus strand). Cytogenetic location: 21q22.3.
Variant type: single nucleotide variant.
Coding change: c.307+2T>C on transcript NM_000383.4 (MANE Select); the canonical splice donor site of the intron after coding-DNA position 307, T replaced by C.
Molecular consequence: splice donor variant.
Genome position (GRCh38, 1-based): chr21:44,286,733, T>C. VCF-style: chr21-44286733-T-C. GRCh37 (hg19) VCF-style: chr21-45706616-T-C.
Identifiers: ClinVar variation 4818292 (VCV004818292.1).